The following is an entry in ClinVar:

NM_001184880.2(PCDH19):c.958G>A (p.Asp320Asn)

Gene: PCDH19 (protocadherin 19; minus strand). Cytogenetic location: Xq22.1.
Variant type: single nucleotide variant.
Coding change: c.958G>A on transcript NM_001184880.2 (MANE Select); coding-DNA position 958, G replaced by A.
Protein change: p.Asp320Asn; replaces aspartic acid 320 with asparagine.
Molecular consequence: missense variant.
Genome position (GRCh38, 1-based): chrX:100,407,640, C>T on the plus strand (G>A on the coding strand, the complement: PCDH19 is on the minus strand). VCF-style: chrX-100407640-C-T. GRCh37 (hg19) VCF-style: chrX-99662638-C-T.
Other names: c.958G>A, p.Asp320Asn (NM_001105243.2, NM_020766.3); short protein forms D320N.
Identifiers: ClinVar variation 2099234 (VCV002099234.4), dbSNP rs1928416953, ClinGen allele CA414004922.

ClinVar aggregate classification (germline): Uncertain significance (1 of 4 stars; one submission).

Conditions:
Developmental and epileptic encephalopathy, 9 (DEE9). Also called: Early infantile epileptic encephalopathy 9; JUBERG-HELLMAN SYNDROME; EPILEPSY, FEMALE-RESTRICTED, WITH MENTAL RETARDATION; PCDH19-Related X-Linked Female-Limited Epilepsy with Mental Retardation. Identifiers: Orphanet 101039, Orphanet 2076, MedGen C1848137, MONDO:0010246, OMIM 300088. Disease mechanism: loss of function.

Submission:

Labcorp Genetics (formerly Invitae), Labcorp
Classification: Uncertain significance for Developmental and epileptic encephalopathy, 9. Last evaluated: 2022-12-23. Review status: criteria provided, single submitter. Criteria: Invitae Variant Classification Sherloc (09022015). Collection method: clinical testing. Allele origin: germline.
Comment: This sequence change replaces aspartic acid, which is acidic and polar, with asparagine, which is neutral and polar, at codon 320 of the PCDH19 protein (p.Asp320Asn). This variant is not present in population databases (gnomAD no frequency). This missense change has been observed in individual(s) with epileptic encephalopathy (PMID: 31175295). Advanced modeling of protein sequence and biophysical properties (such as structural, functional, and spatial information, amino acid conservation, physicochemical variation, residue mobility, and thermodynamic stability) performed at Invitae indicates that this missense variant is expected to disrupt PCDH19 protein function. In summary, the available evidence is currently insufficient to determine the role of this variant in disease. Therefore, it has been classified as a Variant of Uncertain Significance.

Literature cited by the submitters: PubMed 31175295.